The following is an entry in ClinVar:

ClinVar aggregate classification (germline): Benign (1 of 4 stars; one submission).

Conditions:
Neurodegeneration with brain iron accumulation 4 (NBIA4). Also called: MITOCHONDRIAL PROTEIN-ASSOCIATED NEURODEGENERATION. Identifiers: Orphanet 289560, MedGen C3280371, MONDO:0013674, OMIM 614298. Disease mechanism: loss of function.

Allele frequency attached by ClinVar (database versions not stated): ExAC 0.00362; gnomAD 0.00420 and 0.00533; TOPMed 0.00816; gnomAD exomes 0.00862 and 0.01778; 1000 Genomes Project 30x 0.02155; 1000 Genomes Project 0.02177.

Submission:

Illumina Laboratory Services, Illumina
Classification: Benign for Neurodegeneration with brain iron accumulation 4. Last evaluated: 2018-01-12. Review status: criteria provided, single submitter. Criteria: ICSL Variant Classification Criteria 13 December 2019. Collection method: clinical testing. Allele origin: germline.
Comment: This variant was observed in the ICSL laboratory as part of a predisposition screen in an ostensibly healthy population. It had not been previously curated by ICSL or reported in the Human Gene Mutation Database (HGMD: prior to June 1st, 2018), and was therefore a candidate for classification through an automated scoring system. Utilizing variant allele frequency, disease prevalence and penetrance estimates, and inheritance mode, an automated score was calculated to assess if this variant is too frequent to cause the disease. Based on the score and internal cut-off values, a variant classified as benign is not then subjected to further curation. The score for this variant resulted in a classification of benign for this disease.

NM_031448.6(C19orf12):c.*1170C>A

Gene: C19orf12 (chromosome 19 open reading frame 12; minus strand). Cytogenetic location: 19q12.
Variant type: single nucleotide variant.
Coding change: c.*1170C>A on transcript NM_031448.6 (MANE Select); 1170 bases downstream of the stop codon, C replaced by A.
Molecular consequence: 3 prime UTR variant.
Genome position (GRCh38, 1-based): chr19:29,701,542, G>T on the plus strand (C>A on the coding strand, the complement: C19orf12 is on the minus strand). VCF-style: chr19-29701542-G-T. GRCh37 (hg19) VCF-style: chr19-30192449-G-T.
Other names: c.*1170C>A (NM_001031726.4, NM_001256047.2, NM_001282929.1 and 2 more transcripts); c.*1217C>A (NM_001256046.3).
Identifiers: ClinVar variation 328703 (VCV000328703.5), dbSNP rs75930446, ClinGen allele CA9351761.
Genomic context (GRCh38, chr19:29,701,542, plus strand): 5'-GTACGTGTTCAGTACCAATGCAATTTCTTTTTTCAAATATTTCCTATCCAAGGCTGGTTG[G>T]ATCTAAATGTGGAGACCACAGTTACGGAGAGCTGACTGTACTGGGGAAATCTTTAGGGTA-3'